The following is an entry in ClinVar:

ClinVar aggregate classification (germline): Uncertain significance (1 of 4 stars; one submission).

Conditions:
Perlman syndrome (PRLMNS). Identifiers: Orphanet 2849, MedGen C0796113, MONDO:0009965, OMIM 267000.

Allele frequency attached by ClinVar (database versions not stated): TOPMed 0.00002; 1000 Genomes Project 0.00020; 1000 Genomes Project 30x 0.00031.
gnomAD v4.1: 20 of 1,614,164 alleles (0.0012%); highest among the groups gnomAD compares: South Asian, 0.0066%; no homozygotes.

Submission:

Labcorp Genetics (formerly Invitae), Labcorp
Classification: Uncertain significance for Perlman syndrome. Last evaluated: 2025-06-25. Review status: criteria provided, single submitter. Criteria: Invitae Variant Classification Sherloc (09022015). Collection method: clinical testing. Allele origin: germline.
Comment: This sequence change replaces arginine, which is basic and polar, with cysteine, which is neutral and slightly polar, at codon 540 of the DIS3L2 protein (p.Arg540Cys). This variant is present in population databases (rs573031156, gnomAD 0.006%). This variant has not been reported in the literature in individuals affected with DIS3L2-related conditions. ClinVar contains an entry for this variant (Variation ID: 463064). Invitae Evidence Modeling of protein sequence and biophysical properties (such as structural, functional, and spatial information, amino acid conservation, physicochemical variation, residue mobility, and thermodynamic stability) indicates that this missense variant is expected to disrupt DIS3L2 protein function with a positive predictive value of 80%. In summary, the available evidence is currently insufficient to determine the role of this variant in disease. Therefore, it has been classified as a Variant of Uncertain Significance.

NM_152383.5(DIS3L2):c.1618C>T (p.Arg540Cys)

Gene: DIS3L2 (DIS3 like 3'-5' exoribonuclease 2; plus strand). Cytogenetic location: 2q37.1.
Variant type: single nucleotide variant.
Coding change: c.1618C>T on transcript NM_152383.5 (MANE Select); coding-DNA position 1618, C replaced by T.
Protein change: p.Arg540Cys; replaces arginine 540 with cysteine.
Molecular consequence: missense variant. On other transcripts: non-coding transcript variant (2), intron variant (1).
Genome position (GRCh38, 1-based): chr2:232,263,399, C>T. VCF-style: chr2-232263399-C-T. GRCh37 (hg19) VCF-style: chr2-233128109-C-T.
Other names: c.1581+37C>T (NM_001257281.2); short protein forms R540C.
Identifiers: ClinVar variation 463064 (VCV000463064.9), dbSNP rs573031156, ClinGen allele CA2164205.